The following is an entry in ClinVar:

ClinVar aggregate classification (germline): Likely benign (1 of 4 stars; one submission).

Allele frequency attached by ClinVar (database versions not stated): gnomAD exomes below 0.00001.
gnomAD v4.1: 6 of 1,527,664 alleles (0.00039%); highest among the groups gnomAD compares: South Asian, 0.0012%; no homozygotes.

Submission:

CeGaT Center for Human Genetics Tuebingen
Classification: Likely benign. Last evaluated: 2024-01-01. Review status: criteria provided, single submitter. Criteria: CeGaT Center For Human Genetics Tuebingen Variant Classification Criteria Version 2. Collection method: clinical testing. Allele origin: germline. Affected: yes. Observed: 1 variant allele.
Comment: BRSK2: PM2:Supporting, BP4, BP7

NM_001256627.2(BRSK2):c.2145C>T (p.Ala715=)

Gene: BRSK2 (BR serine/threonine kinase 2; plus strand). Cytogenetic location: 11p15.5.
Variant type: single nucleotide variant.
Coding change: c.2145C>T on transcript NM_001256627.2 (MANE Select); coding-DNA position 2145, C replaced by T.
Protein change: p.Ala715=; no amino-acid change (alanine 715 retained).
Molecular consequence: synonymous variant. On other transcripts: intron variant (3).
Genome position (GRCh38, 1-based): chr11:1,460,657, C>T. VCF-style: chr11-1460657-C-T. GRCh37 (hg19) VCF-style: chr11-1481887-C-T.
Other names: c.2235C>T, p.Ala745= (NM_001256630.1); c.*10-313C>T (NM_001256629.2, NM_001282218.2); c.1988-313C>T (NM_003957.4).
Identifiers: ClinVar variation 3026007 (VCV003026007.22), dbSNP rs1847362540, ClinGen allele CA472065930.